The following is an entry in ClinVar:

ClinVar aggregate classification (germline): Uncertain significance (1 of 4 stars; one submission).

Conditions:
Severe combined immunodeficiency due to DNA-PKcs deficiency. Also called: IMMUNODEFICIENCY 26 WITH NEUROLOGIC ABNORMALITIES; Immunodeficiency 26 with or without neurologic abnormalities. Identifiers: Orphanet 317425, MedGen C4014833, MONDO:0014423, OMIM 615966.

Submission:

Laboratorio de Genetica e Diagnostico Molecular, Hospital Israelita Albert Einstein
Classification: Uncertain significance for Severe combined immunodeficiency due to DNA-PKcs deficiency. Last evaluated: 2025-12-15. Review status: criteria provided, single submitter. Criteria: ACMG Guidelines, 2015. Collection method: clinical testing. Allele origin: germline. Affected: yes.
Comment: ACMG classification criteria: PM2 supporting, BP4 supporting

NM_006904.7(PRKDC):c.2935-1356C>A

Gene: PRKDC (protein kinase, DNA-activated, catalytic subunit; minus strand). Cytogenetic location: 8q11.21.
Variant type: single nucleotide variant.
Coding change: c.2935-1356C>A on transcript NM_006904.7 (MANE Select); 1356 bases into the intron before coding-DNA position 2935, C replaced by A.
Molecular consequence: intron variant.
Genome position (GRCh38, 1-based): chr8:47,906,332, G>T on the plus strand (C>A on the coding strand, the complement: PRKDC is on the minus strand). VCF-style: chr8-47906332-G-T. GRCh37 (hg19) VCF-style: chr8-48818892-G-T.
Other names: c.2935-1356C>A (NM_001081640.2).
Identifiers: ClinVar variation 4846912 (VCV004846912.1).